The following is an entry in ClinVar:

NM_153247.4(SLC29A4):c.672_674dup (p.Pro225_Asp226insPro)

Gene: SLC29A4 (solute carrier family 29 member 4; plus strand). Cytogenetic location: 7p22.1.
Variant type: Duplication.
Coding change: c.672_674dup on transcript NM_153247.4 (MANE Select); coding-DNA positions 672 to 674, 3 bases duplicated (GCC; older notation c.672_674dupGCC).
Protein change: p.Pro225_Asp226insPro.
Molecular consequence: inframe insertion.
Genome position (GRCh38, 1-based): chr7:5,296,988-5,296,990, GCC duplicated. VCF-style (leftmost placement, unchanged base first): chr7-5296987-T-TGCC. GRCh37 (hg19) VCF-style: chr7-5336618-T-TGCC.
Other names: c.672_674dup, p.Pro225_Asp226insPro (NM_001040661.3); c.630_632dup, p.Pro211_Asp212insPro (NM_001300847.3).
Identifiers: ClinVar variation 3356068 (VCV003356068.1).

ClinVar aggregate classification (germline): Uncertain significance (0 of 4 stars; one submission).

Conditions:
SLC29A4-related disorder. Also called: SLC29A4-related condition.

Submission:

PreventionGenetics, part of Exact Sciences
Classification: Uncertain significance for SLC29A4-related condition. Last evaluated: 2024-05-30. Review status: no assertion criteria provided. Collection method: clinical testing. Allele origin: germline.
Comment: The SLC29A4 c.672_674dupGCC variant is predicted to result in an in-frame duplication (p.Pro225dup). To our knowledge, this variant has not been reported in the literature. This variant is reported in 0.0098% of alleles in individuals of South Asian descent in gnomAD. At this time, the clinical significance of this variant is uncertain due to the absence of conclusive functional and genetic evidence.